The following is an entry in ClinVar:

ClinVar aggregate classification (germline): Uncertain significance (1 of 4 stars; one submission).

Submission:

Dasa
Classification: Uncertain significance. Last evaluated: 2026-03-24. Review status: criteria provided, single submitter. Criteria: DASA Assertion Criteria. Collection method: clinical testing. Allele origin: germline.
Comment: NM_001085458.2(CTNND1):c.1162G>C (p.Ala388Pro) is a missense variant that results in the substitution of alanine with proline. This variant is absent from population databases. Computational prediction algorithms are consistent with a deleterious effect. The currently available literature and clinical evidence are not sufficient to establish a definitive association between this variant and the reported condition. Therefore, this variant is classified as a variant of uncertain significance.

NM_001085458.2(CTNND1):c.1162G>C (p.Ala388Pro)

Genes: CTNND1 (catenin delta 1; plus strand), TMX2-CTNND1 (TMX2-CTNND1 readthrough (NMD candidate); plus strand). Cytogenetic location: 11q12.1.
Variant type: single nucleotide variant.
Coding change: c.1162G>C on transcript NM_001085458.2 (MANE Select); coding-DNA position 1162, G replaced by C.
Protein change: p.Ala388Pro; replaces alanine 388 with proline.
Molecular consequence: missense variant. On other transcripts: non-coding transcript variant (1).
Genome position (GRCh38, 1-based): chr11:57,801,938, G>C. VCF-style: chr11-57801938-G-C. GRCh37 (hg19) VCF-style: chr11-57569410-G-C.
Other names: c.1162G>C, p.Ala388Pro (NM_001085459.2, NM_001085460.2, NM_001085461.2 and 3 more transcripts); c.859G>C, p.Ala287Pro (NM_001085463.2, NM_001085464.2, NM_001085465.2 and 5 more transcripts); c.1000G>C, p.Ala334Pro (NM_001206891.2, NM_001206883.2, NM_001206884.2 and 4 more transcripts); short protein forms A287P, A334P, A388P.
Identifiers: ClinVar variation 5020686 (VCV005020686.1).